The following is an entry in ClinVar:

ClinVar aggregate classification (germline): Uncertain significance. Review status: criteria provided, multiple submitters, no conflicts (2 of 4 stars). 2 submissions from 2 submitters: Uncertain significance (2). Last evaluated 2025-12-24.

Conditions:
Inborn genetic diseases. Identifiers: MedGen C0950123, MeSH D030342.

Allele frequency attached by ClinVar (database versions not stated): ExAC 0.00001.
gnomAD v4.1: 1 of 1,614,178 alleles (0.000062%); highest among the groups gnomAD compares: Non-Finnish European, 0.000085%; no homozygotes.

Submissions (2):

Labcorp Genetics (formerly Invitae), Labcorp
Classification: Uncertain significance. Last evaluated: 2025-12-24. Review status: criteria provided, single submitter. Criteria: Invitae Variant Classification Sherloc (09022015). Collection method: clinical testing. Allele origin: germline.
Comment: This sequence change replaces proline, which is neutral and non-polar, with serine, which is neutral and polar, at codon 776 of the EPAS1 protein (p.Pro776Ser). This variant is present in population databases (rs766752818, gnomAD 0.0009%). This variant has not been reported in the literature in individuals affected with EPAS1-related conditions. ClinVar contains an entry for this variant (Variation ID: 1789655). An algorithm developed to predict the effect of missense changes on protein structure and function (PolyPhen-2) suggests that this variant is likely to be tolerated. In summary, the available evidence is currently insufficient to determine the role of this variant in disease. Therefore, it has been classified as a Variant of Uncertain Significance.

Ambry Genetics
Classification: Uncertain significance for Inborn genetic diseases. Last evaluated: 2021-08-13. Review status: criteria provided, single submitter. Criteria: Ambry Variant Classification Scheme 2023. Collection method: clinical testing. Allele origin: germline.
Comment: The p.P776S variant (also known as c.2326C>T), located in coding exon 15 of the EPAS1 gene, results from a C to T substitution at nucleotide position 2326. The proline at codon 776 is replaced by serine, an amino acid with similar properties. This amino acid position is conserved. In addition, this alteration is predicted to be tolerated by in silico analysis. Since supporting evidence is limited at this time, the clinical significance of this alteration remains unclear.

NM_001430.5(EPAS1):c.2326C>T (p.Pro776Ser)

Gene: EPAS1 (endothelial PAS domain protein 1; plus strand). Cytogenetic location: 2p21.
Variant type: single nucleotide variant.
Coding change: c.2326C>T on transcript NM_001430.5 (MANE Select); coding-DNA position 2326, C replaced by T.
Protein change: p.Pro776Ser; replaces proline 776 with serine.
Molecular consequence: missense variant.
Genome position (GRCh38, 1-based): chr2:46,382,463, C>T. VCF-style: chr2-46382463-C-T. GRCh37 (hg19) VCF-style: chr2-46609602-C-T.
Other names: short protein forms P776S.
Identifiers: ClinVar variation 1789655 (VCV001789655.3), dbSNP rs766752818, ClinGen allele CA1645315.
Genomic context (GRCh38, chr2:46,382,463, plus strand): 5'-CTCTCTGACTTTGGTCTTTCAGATAAGTTCACCCAAAACCCCATGAGGGGCCTGGGCCAT[C>T]CCCTGAGACATCTGCCGCTGCCACAGCCTCCATCTGCCATCAGTCCCGGGGAGAACAGCA-3'
Protein context (NP_001421.2, residues 766-786): TQNPMRGLGH[Pro776Ser]LRHLPLPQPP